The following is an entry in ClinVar:

NM_144670.6(A2ML1):c.2986GAG[1] (p.Glu997del)

Gene: A2ML1 (alpha-2-macroglobulin like 1; plus strand). Cytogenetic location: 12p13.31.
Variant type: Microsatellite.
Coding change: c.2986GAG[1] on transcript NM_144670.6 (MANE Select); one copy of the 3-base unit GAG starting at c.2986; the reference has two copies in a row; one copy, 3 bases deleted.
Protein change: p.Glu997del; deletes glutamic acid 997.
Molecular consequence: inframe deletion.
Genome position (GRCh38, 1-based): chr12:8,857,304-8,857,306, GAG deleted; deleting any 3 consecutive bases within chr12:8,857,300-8,857,306 gives the same sequence; the position shown is the placement nearest the transcript's 3' end. VCF-style (leftmost placement, unchanged base first): chr12-8857299-CGGA-C. GRCh37 (hg19) VCF-style: chr12-9009895-CGGA-C.
Other names: c.1513GAG[1], p.Glu506del (NM_001282424.3); short protein forms E997del, E506del.
Identifiers: ClinVar variation 2153002 (VCV002153002.4), dbSNP rs757834640, ClinGen allele CA6436214.
Genomic context (GRCh38, chr12:8,857,299, plus strand): 5'-TGGTCTTGTTTGCTCCCATCATCTATGTCTTGCAGTACCTGGAGAAGGCAGGGCTGCTGA[CGGA>C]GGAGATCAGGTCTCGGGCAGTGGGTTTCCTGGAAATAGGTAAGTTGGTTCAGTCTTTCTT-3'

ClinVar aggregate classification (germline): Uncertain significance (1 of 4 stars; one submission).

Submission:

Labcorp Genetics (formerly Invitae), Labcorp
Classification: Uncertain significance. Last evaluated: 2025-05-27. Review status: criteria provided, single submitter. Criteria: Invitae Variant Classification Sherloc (09022015). Collection method: clinical testing. Allele origin: germline.
Comment: This variant, c.2989_2991del, results in the deletion of 1 amino acid(s) of the A2ML1 protein (p.Glu997del), but otherwise preserves the integrity of the reading frame. This variant is present in population databases (rs757834640, gnomAD 0.003%). This variant has not been reported in the literature in individuals affected with A2ML1-related conditions. Experimental studies and prediction algorithms are not available or were not evaluated, and the functional significance of this variant is currently unknown. In summary, the available evidence is currently insufficient to determine the role of this variant in disease. Therefore, it has been classified as a Variant of Uncertain Significance.